The following is an entry in ClinVar:

ClinVar aggregate classification (germline): Uncertain significance (1 of 4 stars; one submission).

Conditions:
Familial temporal lobe epilepsy 7. Identifiers: Orphanet 101046, MedGen C4225327, MONDO:0014639, OMIM 616436.
Norman-Roberts syndrome (LIS2). Also called: Lissencephaly 2 (Norman-Roberts type). Identifiers: Orphanet 89844, MedGen C0796089, MONDO:0009760, OMIM 257320.

gnomAD v4.1: 8 of 1,613,740 alleles (0.0005%); highest among the groups gnomAD compares: Non-Finnish European, 0.00059%; no homozygotes.

Submission:

Labcorp Genetics (formerly Invitae), Labcorp
Classification: Uncertain significance for Familial temporal lobe epilepsy 7; Norman-Roberts syndrome. Last evaluated: 2024-12-10. Review status: criteria provided, single submitter. Criteria: Invitae Variant Classification Sherloc (09022015). Collection method: clinical testing. Allele origin: germline.
Comment: This sequence change replaces aspartic acid, which is acidic and polar, with asparagine, which is neutral and polar, at codon 1326 of the RELN protein (p.Asp1326Asn). This variant is not present in population databases (gnomAD no frequency). This variant has not been reported in the literature in individuals affected with RELN-related conditions. Invitae Evidence Modeling of protein sequence and biophysical properties (such as structural, functional, and spatial information, amino acid conservation, physicochemical variation, residue mobility, and thermodynamic stability) indicates that this missense variant is not expected to disrupt RELN protein function with a negative predictive value of 80%. In summary, the available evidence is currently insufficient to determine the role of this variant in disease. Therefore, it has been classified as a Variant of Uncertain Significance.

NM_005045.4(RELN):c.3976G>A (p.Asp1326Asn)

Gene: RELN (reelin; minus strand). Cytogenetic location: 7q22.1.
Variant type: single nucleotide variant.
Coding change: c.3976G>A on transcript NM_005045.4 (MANE Select); coding-DNA position 3976, G replaced by A.
Protein change: p.Asp1326Asn; replaces aspartic acid 1326 with asparagine.
Molecular consequence: missense variant.
Genome position (GRCh38, 1-based): chr7:103,589,765, C>T on the plus strand (G>A on the coding strand, the complement: RELN is on the minus strand). VCF-style: chr7-103589765-C-T. GRCh37 (hg19) VCF-style: chr7-103230212-C-T.
Other names: c.3976G>A, p.Asp1326Asn (NM_173054.3); short protein forms D1326N.
Identifiers: ClinVar variation 3763743 (VCV003763743.2).